The following is an entry in ClinVar:

ClinVar aggregate classification (germline): Likely pathogenic (1 of 4 stars; one submission).

Conditions:
Orofaciodigital syndrome type 14. Also called: Orofaciodigital syndrome xiv. Identifiers: Orphanet 434179, MedGen C4706604, MONDO:0014413, OMIM 615948.

gnomAD v4.1: 2 of 1,614,024 alleles (0.00012%); highest among the groups gnomAD compares: Non-Finnish European, 0.00017%; no homozygotes.

Submission:

Juno Genomics, Hangzhou Juno Genomics, Inc
Classification: Likely pathogenic for Orofaciodigital syndrome type 14. Review status: criteria provided, single submitter. Criteria: ACMG Guidelines, 2015. Collection method: clinical testing. Allele origin: germline.
Comment: Null variant in a gene where loss of function (LOF) is a known mechanism of disease.;Absent from controls (or at extremely low frequency if recessive) in Genome Aggregation Database.

NM_001286577.2(C2CD3):c.3583C>T (p.Arg1195Ter)

Gene: C2CD3 (C2 domain containing 3 centriole elongation regulator; minus strand). Cytogenetic location: 11q13.4.
Variant type: single nucleotide variant.
Coding change: c.3583C>T on transcript NM_001286577.2 (MANE Select); coding-DNA position 3583, C replaced by T.
Protein change: p.Arg1195Ter; replaces arginine 1195 with a stop codon.
Molecular consequence: nonsense.
Genome position (GRCh38, 1-based): chr11:74,090,871, G>A on the plus strand (C>T on the coding strand, the complement: C2CD3 is on the minus strand). VCF-style: chr11-74090871-G-A. GRCh37 (hg19) VCF-style: chr11-73801916-G-A.
Other names: c.3583C>T, p.Arg1195Ter (NM_015531.6); short protein forms R1195*.
Identifiers: ClinVar variation 5004981 (VCV005004981.2).